The following is an entry in ClinVar:

NM_182710.3(KAT5):c.157C>G (p.Gln53Glu)

Genes: KAT5 (lysine acetyltransferase 5; plus strand), LOC130006059 (ATAC-STARR-seq lymphoblastoid silent region 3551; plus strand). Cytogenetic location: 11q13.1.
Variant type: single nucleotide variant.
Coding change: c.157C>G on transcript NM_182710.3 (MANE Select); coding-DNA position 157, C replaced by G.
Protein change: p.Gln53Glu; replaces glutamine 53 with glutamic acid.
Molecular consequence: missense variant.
Genome position (GRCh38, 1-based): chr11:65,712,424, C>G. VCF-style: chr11-65712424-C-G. GRCh37 (hg19) VCF-style: chr11-65479895-C-G.
Other names: c.157C>G, p.Gln53Glu (NM_001206833.2); c.58C>G, p.Gln20Glu (NM_006388.4, NM_182709.3); short protein forms Q20E, Q53E.
Identifiers: ClinVar variation 3257359 (VCV003257359.17).
Genomic context (GRCh38, chr11:65,712,424, plus strand): 5'-GCGCTGTCTCCCCAGGGGGAGATAATCGAGGGCTGCCGCCTACCCGTGCTGCGGCGGAAC[C>G]AGGACAACGAAGATGAGTGGCGTGAGTGACGTTGGGGGGCGGGACTAAGGAACCTGAGGG-3'
Protein context (NP_874369.1, residues 43-63): GCRLPVLRRN[Gln53Glu]DNEDEWPLAE

ClinVar aggregate classification (germline): Uncertain significance (1 of 4 stars; one submission).

gnomAD v4.1: 1 of 1,593,332 alleles (0.000063%); highest among the groups gnomAD compares: Non-Finnish European, 0.000085%; no homozygotes.

Submission:

CeGaT Center for Human Genetics Tuebingen
Classification: Uncertain significance. Last evaluated: 2024-07-01. Review status: criteria provided, single submitter. Criteria: CeGaT Center For Human Genetics Tuebingen Variant Classification Criteria Version 2. Collection method: clinical testing. Allele origin: germline. Affected: yes. Observed: 1 variant allele.
Comment: KAT5: PM2